The following is an entry in ClinVar:

NM_006445.4(PRPF8):c.4467C>T (p.Leu1489=)

Gene: PRPF8 (pre-mRNA processing factor 8; minus strand). Cytogenetic location: 17p13.3.
Variant type: single nucleotide variant.
Coding change: c.4467C>T on transcript NM_006445.4 (MANE Select); coding-DNA position 4467, C replaced by T.
Protein change: p.Leu1489=; no amino-acid change (leucine 1489 retained).
Molecular consequence: synonymous variant.
Genome position (GRCh38, 1-based): chr17:1,661,034, G>A on the plus strand (C>T on the coding strand, the complement: PRPF8 is on the minus strand). VCF-style: chr17-1661034-G-A. GRCh37 (hg19) VCF-style: chr17-1564328-G-A.
Identifiers: ClinVar variation 196132 (VCV000196132.45), dbSNP rs113849788, ClinGen allele CA202156.

ClinVar aggregate classification (germline): Benign/Likely benign. Review status: criteria provided, multiple submitters, no conflicts (2 of 4 stars). 7 submissions from 7 submitters: Benign (4); Likely benign (3). Last evaluated 2026-10-01.

Conditions:
Retinitis pigmentosa (RP). Identifiers: Orphanet 791, MedGen C0035334, MeSH D012174, MONDO:0019200, OMIM 268000. Inheritance: Autosomal dominant, autosomal recessive and X linked inheritance.
Retinitis pigmentosa 13 (RP13). Also called: PRPF 8-Related Retinitis Pigmentosa. Identifiers: Orphanet 791, MedGen C1838702, MONDO:0010806, OMIM 600059.

Allele frequency attached by ClinVar (database versions not stated): 1000 Genomes Project 0.00200; 1000 Genomes Project 30x 0.00203; TOPMed 0.00403; gnomAD 0.00468 and 0.00488; ESP Exome Variant Server 0.00523.

Submissions (7):

CeGaT Center for Human Genetics Tuebingen
Classification: Benign. Last evaluated: 2026-10-01. Review status: criteria provided, single submitter. Criteria: CeGaT Center For Human Genetics Tuebingen Variant Classification Criteria Version 2. Collection method: clinical testing. Allele origin: germline. Affected: yes. Observed: 9 variant alleles.
Comment: PRPF8: BP4, BP7, BS1, BS2

Labcorp Genetics (formerly Invitae), Labcorp
Classification: Benign. Last evaluated: 2026-02-01. Review status: criteria provided, single submitter. Criteria: Invitae Variant Classification Sherloc (09022015). Collection method: clinical testing. Allele origin: germline.

Blueprint Genetics
Classification: Benign. Last evaluated: 2024-11-25. Review status: criteria provided, single submitter. Criteria: ACMG Guidelines, 2015. Collection method: clinical testing. Allele origin: germline.

Fulgent Genetics
Classification: Likely benign for Retinitis pigmentosa 13. Last evaluated: 2022-04-11. Review status: criteria provided, single submitter. Criteria: ACMG Guidelines, 2015. Collection method: clinical testing. Allele origin: unknown.

Illumina Laboratory Services, Illumina
Classification: Likely benign for Retinitis pigmentosa. Last evaluated: 2018-01-12. Review status: criteria provided, single submitter. Criteria: ICSL Variant Classification Criteria 13 December 2019. Collection method: clinical testing. Allele origin: germline.
Comment: This variant was observed in the ICSL laboratory as part of a predisposition screen in an ostensibly healthy population. It had not been previously curated by ICSL or reported in the Human Gene Mutation Database (HGMD: prior to June 1st, 2018), and was therefore a candidate for classification through an automated scoring system. Utilizing variant allele frequency, disease prevalence and penetrance estimates, and inheritance mode, an automated score was calculated to assess if this variant is too frequent to cause the disease. Based on the score and internal cut-off values, a variant classified as likely benign is not then subjected to further curation. The score for this variant resulted in a classification of likely benign for this disease.

Eurofins Ntd Llc (ga)
Classification: Benign. Last evaluated: 2015-01-13. Review status: criteria provided, single submitter. Criteria: EGL Classification Definitions 2015. Collection method: clinical testing. Allele origin: germline. Observed: 2 variant alleles, 2 heterozygotes.

Breakthrough Genomics
Classification: Likely benign. Review status: criteria provided, single submitter. Criteria: ACMG Guidelines, 2015. Collection method: not provided. Allele origin: germline. Inheritance: Autosomal dominant inheritance. Affected: yes.